The following is an entry in ClinVar:

ClinVar aggregate classification (germline): Uncertain significance. Review status: criteria provided, multiple submitters, no conflicts (2 of 4 stars). 2 submissions from 2 submitters: Uncertain significance (2). Last evaluated 2021-10-22.

Conditions:
Cardiovascular phenotype. Identifiers: MedGen CN230736.

Allele frequency attached by ClinVar (database versions not stated): ExAC 0.00001; gnomAD 0.00001; gnomAD exomes 0.00002; TOPMed 0.00002.
gnomAD v4.1: 37 of 1,614,098 alleles (0.0023%); highest among the groups gnomAD compares: Middle Eastern, 0.016%; no homozygotes.

Submissions (2):

Labcorp Genetics (formerly Invitae), Labcorp
Classification: Uncertain significance. Last evaluated: 2021-10-22. Review status: criteria provided, single submitter. Criteria: Invitae Variant Classification Sherloc (09022015). Collection method: clinical testing. Allele origin: germline.
Comment: This sequence change replaces valine, which is neutral and non-polar, with methionine, which is neutral and non-polar, at codon 1368 of the ABCA1 protein (p.Val1368Met). This variant is present in population databases (rs778275370, gnomAD 0.005%). This variant has not been reported in the literature in individuals affected with ABCA1-related conditions. Algorithms developed to predict the effect of missense changes on protein structure and function are either unavailable or do not agree on the potential impact of this missense change (SIFT: "Deleterious"; PolyPhen-2: "Possibly Damaging"; Align-GVGD: "Class C0"). In summary, the available evidence is currently insufficient to determine the role of this variant in disease. Therefore, it has been classified as a Variant of Uncertain Significance.

Ambry Genetics
Classification: Uncertain significance for Cardiovascular phenotype. Last evaluated: 2021-07-07. Review status: criteria provided, single submitter. Criteria: Ambry Variant Classification Scheme 2023. Collection method: clinical testing. Allele origin: germline.
Comment: The p.V1368M variant (also known as c.4102G>A), located in coding exon 28 of the ABCA1 gene, results from a G to A substitution at nucleotide position 4102. The valine at codon 1368 is replaced by methionine, an amino acid with highly similar properties. This amino acid position is conserved. In addition, the in silico prediction for this alteration is inconclusive. Since supporting evidence is limited at this time, the clinical significance of this alteration remains unclear.

NM_005502.4(ABCA1):c.4102G>A (p.Val1368Met)

Genes: ABCA1 (ATP binding cassette subfamily A member 1; minus strand), LOC121331340 (Sharpr-MPRA regulatory region 1797; plus strand). Cytogenetic location: 9q31.1.
Variant type: single nucleotide variant.
Coding change: c.4102G>A on transcript NM_005502.4 (MANE Select); coding-DNA position 4102, G replaced by A.
Protein change: p.Val1368Met; replaces valine 1368 with methionine.
Molecular consequence: missense variant.
Genome position (GRCh38, 1-based): chr9:104,810,873, C>T on the plus strand (G>A on the coding strand, the complement: ABCA1 is on the minus strand). VCF-style: chr9-104810873-C-T. GRCh37 (hg19) VCF-style: chr9-107573154-C-T.
Other names: short protein forms V1368M.
Identifiers: ClinVar variation 1396113 (VCV001396113.5), dbSNP rs778275370, ClinGen allele CA5168236.